The following is an entry in ClinVar:

ClinVar aggregate classification (germline): Uncertain significance (1 of 4 stars; one submission).

Conditions:
Inborn genetic diseases. Identifiers: MedGen C0950123, MeSH D030342.

Submission:

Ambry Genetics
Classification: Uncertain significance for Inborn genetic diseases. Last evaluated: 2024-06-27. Review status: criteria provided, single submitter. Criteria: Ambry Variant Classification Scheme 2023. Collection method: clinical testing. Allele origin: germline.
Comment: The p.L596V variant (also known as c.1786C>G), located in coding exon 8 of the ATR gene, results from a C to G substitution at nucleotide position 1786. The leucine at codon 596 is replaced by valine, an amino acid with highly similar properties. This amino acid position is conserved. In addition, this alteration is predicted to be tolerated by in silico analysis. Based on the available evidence, the clinical significance of this variant remains unclear.

NM_001184.4(ATR):c.1786C>G (p.Leu596Val)

Gene: ATR (ATR serine/threonine kinase; minus strand). Cytogenetic location: 3q23.
Variant type: single nucleotide variant.
Coding change: c.1786C>G on transcript NM_001184.4 (MANE Select); coding-DNA position 1786, C replaced by G.
Protein change: p.Leu596Val; replaces leucine 596 with valine.
Molecular consequence: missense variant.
Genome position (GRCh38, 1-based): chr3:142,558,723, G>C on the plus strand (C>G on the coding strand, the complement: ATR is on the minus strand). VCF-style: chr3-142558723-G-C. GRCh37 (hg19) VCF-style: chr3-142277565-G-C.
Other names: c.1594C>G, p.Leu532Val (NM_001354579.2); short protein forms L596V, L532V.
Identifiers: ClinVar variation 3462284 (VCV003462284.1).